The following is an entry in ClinVar:

NM_173660.5(DOK7):c.756_768del (p.Arg253fs)

Genes: DOK7 (docking protein 7; plus strand), LOC129992118 (ATAC-STARR-seq lymphoblastoid silent region 15206; plus strand). Cytogenetic location: 4p16.3.
Variant type: Deletion.
Coding change: c.756_768del on transcript NM_173660.5 (MANE Select); coding-DNA positions 756 to 768, 13 bases deleted (CAGGCCGGGCAGT).
Protein change: p.Arg253fs; shifts the reading frame from arginine 253.
Molecular consequence: frameshift variant. On other transcripts: 5 prime UTR variant (1).
Genome position (GRCh38, 1-based): chr4:3,489,780-3,489,792, CAGGCCGGGCAGT deleted. VCF-style (leftmost placement, unchanged base first): chr4-3489779-GCAGGCCGGGCAGT-G. GRCh37 (hg19) VCF-style: chr4-3491506-GCAGGCCGGGCAGT-G.
Other names: c.745_757del, p.Gln249fs (NM_001164673.2); c.-175_-163del (NM_001256896.2); c.756_768del, p.Arg253fs (NM_001301071.2); c.324_336del, p.Arg109fs (NM_001363811.2); short protein forms R253fs, R109fs, Q249fs.
Identifiers: ClinVar variation 5006770 (VCV005006770.2).
Genomic context (GRCh38, chr4:3,489,779, plus strand): 5'-CCCAGGAAGCCCTGGAAACCCTACAGCTGGAGAAGCGGCTGAGCCTCCTCTCACATGCGG[GCAGGCCGGGCAGT>G]GGAGGTAGGGCCGGGGGCTGACCTGGGCTGTGGGACCTCGGCTAAGCCTCCAGCAGGAGA-3'

ClinVar aggregate classification (germline): Uncertain significance (1 of 4 stars; one submission).

Conditions:
Congenital myasthenic syndrome 10. Also called: Myasthenia, limb-girdle, familial. Identifiers: Orphanet 590, MedGen C1850792, MONDO:0009690, OMIM 254300.
Fetal akinesia deformation sequence 3. Identifiers: MedGen C4760599, MONDO:0100103, OMIM 618389.

Submission:

Juno Genomics, Hangzhou Juno Genomics, Inc
Classification: Uncertain significance for Fetal akinesia deformation sequence 3; Congenital myasthenic syndrome 10. Review status: criteria provided, single submitter. Criteria: ACMG Guidelines, 2015. Collection method: clinical testing. Allele origin: germline.
Comment: Null variant in a gene where loss of function (LOF) is a known mechanism of disease.;Absent from controls (or at extremely low frequency if recessive) in Genome Aggregation Database.